The following is an entry in ClinVar:

ClinVar aggregate classification (germline): Pathogenic (1 of 4 stars; one submission).

Conditions:
Dextro-looped transposition of the great arteries. Also called: Dextrotransposition of the great arteries. Identifiers: Orphanet 860, MedGen C3531771, MONDO:0019443, OMIM 608808, HP:0031348.

Submission:

Labcorp Genetics (formerly Invitae), Labcorp
Classification: Pathogenic for Transposition of the great arteries, dextro-looped 1. Last evaluated: 2017-09-25. Review status: criteria provided, single submitter. Criteria: Invitae Variant Classification Sherloc (09022015). Collection method: clinical testing. Allele origin: germline.
Comment: This sequence change creates a premature translational stop signal (p.Tyr1174Glnfs*7) in the MED13L gene. It is expected to result in an absent or disrupted protein product. This variant is not present in population databases (ExAC no frequency). This variant has not been reported in the literature in individuals with MED13L-related disease. Loss-of-function variants in MED13L are known to be pathogenic (PMID: 23403903). For these reasons, this variant has been classified as Pathogenic.

NC_000012.12:g.115991433_115991435delinsA

Gene: MED13L (mediator complex subunit 13L; minus strand). Cytogenetic location: 12q24.21.
Variant type: Indel.
Genome position: GRCh38 VCF-style: chr12-115991433-TAG-A. GRCh37 (hg19) VCF-style: chr12-116429238-TAG-A.
Identifiers: ClinVar variation 570875 (VCV000570875.1), dbSNP rs1565997261, ClinGen allele CA891843992.
Genomic context (GRCh38, chr12:115,991,433, plus strand): 5'-CCAATATCAGAATTCTTCCCAAAAATATCCAACTCATCTTCAAGGAAGAGTCCTGAATTG[TAG>A]CCAAGTTTGCGGTTCATAATCGCACTAAACCCACAGGTACAGCGGTACTGGTCCTCATTG-3'